The following is an entry in ClinVar:

ClinVar aggregate classification (germline): Uncertain significance. Review status: criteria provided, multiple submitters, no conflicts (2 of 4 stars). 2 submissions from 2 submitters: Uncertain significance (2). Last evaluated 2025-06-22.

Conditions:
Hereditary cancer-predisposing syndrome. Also called: Hereditary Cancer Syndrome; Neoplastic Syndromes, Hereditary; Tumor predisposition; Hereditary neoplastic syndrome. Identifiers: Orphanet 140162, MedGen C0027672, MeSH D009386, MONDO:0015356.
Neuroblastoma, susceptibility to, 3. Also called: ALK-Related Neuroblastic Tumor Susceptibility. Identifiers: Orphanet 635, MedGen C2751681, MONDO:0013083, OMIM 613014.

gnomAD v4.1: 2 of 1,334,340 alleles (0.00015%); highest among the groups gnomAD compares: Non-Finnish European, 0.0001%; no homozygotes.

Submissions (2):

Labcorp Genetics (formerly Invitae), Labcorp
Classification: Uncertain significance for Neuroblastoma, susceptibility to, 3. Last evaluated: 2025-06-22. Review status: criteria provided, single submitter. Criteria: Invitae Variant Classification Sherloc (09022015). Collection method: clinical testing. Allele origin: germline.
Comment: This sequence change replaces alanine, which is neutral and non-polar, with threonine, which is neutral and polar, at codon 909 of the ALK protein (p.Ala909Thr). This variant is not present in population databases (gnomAD no frequency). This variant has not been reported in the literature in individuals affected with ALK-related conditions. ClinVar contains an entry for this variant (Variation ID: 1348738). An algorithm developed to predict the effect of missense changes on protein structure and function (PolyPhen-2) suggests that this variant is likely to be disruptive. In summary, the available evidence is currently insufficient to determine the role of this variant in disease. Therefore, it has been classified as a Variant of Uncertain Significance.

Ambry Genetics
Classification: Uncertain significance for Hereditary cancer-predisposing syndrome. Last evaluated: 2024-08-30. Review status: criteria provided, single submitter. Criteria: Ambry Variant Classification Scheme 2023. Collection method: clinical testing. Allele origin: germline.
Comment: The p.A909T variant (also known as c.2725G>A), located in coding exon 16 of the ALK gene, results from a G to A substitution at nucleotide position 2725. The alanine at codon 909 is replaced by threonine, an amino acid with similar properties. This amino acid position is conserved. In addition, the in silico prediction for this alteration is inconclusive. Since supporting evidence is limited at this time, the clinical significance of this alteration remains unclear.

NM_004304.5(ALK):c.2725G>A (p.Ala909Thr)

Gene: ALK (ALK receptor tyrosine kinase; minus strand). Cytogenetic location: 2p23.2.
Variant type: single nucleotide variant.
Coding change: c.2725G>A on transcript NM_004304.5 (MANE Select); coding-DNA position 2725, G replaced by A.
Protein change: p.Ala909Thr; replaces alanine 909 with threonine.
Molecular consequence: missense variant.
Genome position (GRCh38, 1-based): chr2:29,228,974, C>T on the plus strand (G>A on the coding strand, the complement: ALK is on the minus strand). VCF-style: chr2-29228974-C-T. GRCh37 (hg19) VCF-style: chr2-29451840-C-T.
Other names: short protein forms A909T.
Identifiers: ClinVar variation 1348738 (VCV001348738.11), dbSNP rs2148180596, ClinGen allele CA346469822.